The following is an entry in ClinVar:

NM_018052.5(VAC14):c.1896G>A (p.Thr632=)

Gene: VAC14 (VAC14 component of PIKFYVE complex; minus strand). Cytogenetic location: 16q22.1.
Variant type: single nucleotide variant.
Coding change: c.1896G>A on transcript NM_018052.5 (MANE Select); coding-DNA position 1896, G replaced by A.
Protein change: p.Thr632=; no amino-acid change (threonine 632 retained).
Molecular consequence: synonymous variant.
Genome position (GRCh38, 1-based): chr16:70,697,198, C>T on the plus strand (G>A on the coding strand, the complement: VAC14 is on the minus strand). VCF-style: chr16-70697198-C-T. GRCh37 (hg19) VCF-style: chr16-70731101-C-T.
Other names: c.1194G>A, p.Thr398= (NM_001351157.2).
Identifiers: ClinVar variation 774230 (VCV000774230.35), dbSNP rs146202088, ClinGen allele CA8147483.

ClinVar aggregate classification (germline): Benign/Likely benign. Review status: criteria provided, multiple submitters, no conflicts (2 of 4 stars). 4 submissions from 4 submitters: Benign (2); Likely benign (2). Last evaluated 2026-01-15.

Allele frequency attached by ClinVar (database versions not stated): 1000 Genomes Project 0.00020; 1000 Genomes Project 30x 0.00031; gnomAD 0.00075 and 0.00076; TOPMed 0.00076; ESP Exome Variant Server 0.00108.
gnomAD v4.1: 960 of 1,614,018 alleles (0.059%); highest among the groups gnomAD compares: Middle Eastern, 0.18%; 4 homozygotes.

Submissions (4):

Labcorp Genetics (formerly Invitae), Labcorp
Classification: Benign. Last evaluated: 2026-01-15. Review status: criteria provided, single submitter. Criteria: Invitae Variant Classification Sherloc (09022015). Collection method: clinical testing. Allele origin: germline.

CeGaT Center for Human Genetics Tuebingen
Classification: Likely benign. Last evaluated: 2025-08-01. Review status: criteria provided, single submitter. Criteria: CeGaT Center For Human Genetics Tuebingen Variant Classification Criteria Version 2. Collection method: clinical testing. Allele origin: germline. Affected: yes. Observed: 6 variant alleles.
Comment: VAC14: BP4, BP7

Blueprint Genetics
Classification: Likely benign. Last evaluated: 2024-11-05. Review status: criteria provided, single submitter. Criteria: ACMG Guidelines, 2015. Collection method: clinical testing. Allele origin: germline.

Breakthrough Genomics
Classification: Benign. Review status: criteria provided, single submitter. Criteria: ACMG Guidelines, 2015. Collection method: not provided. Allele origin: germline. Inheritance: Autosomal recessive inheritance. Affected: yes.